The following is an entry in ClinVar:

ClinVar aggregate classification (germline): Uncertain significance (1 of 4 stars; one submission).

Allele frequency attached by ClinVar (database versions not stated): gnomAD exomes 0.00001.
gnomAD v4.1: 6 of 1,205,398 alleles (0.0005%); highest among the groups gnomAD compares: Non-Finnish European, 0.00067%; no homozygotes.

Submission:

GeneDx
Classification: Uncertain significance. Last evaluated: 2023-05-17. Review status: criteria provided, single submitter. Criteria: GeneDx Variant Classification Process June 2021. Collection method: clinical testing. Allele origin: germline. Affected: yes.
Comment: Not observed at significant frequency in large population cohorts (gnomAD); In silico analysis supports that this missense variant has a deleterious effect on protein structure/function; Has not been previously published as pathogenic or benign to our knowledge

NM_001291415.2(KDM6A):c.3386G>A (p.Gly1129Glu)

Gene: KDM6A (lysine demethylase 6A; plus strand). Cytogenetic location: Xp11.3.
Variant type: single nucleotide variant.
Coding change: c.3386G>A on transcript NM_001291415.2 (MANE Select); coding-DNA position 3386, G replaced by A.
Protein change: p.Gly1129Glu; replaces glycine 1129 with glutamic acid.
Molecular consequence: missense variant. On other transcripts: non-coding transcript variant (1).
Genome position (GRCh38, 1-based): chrX:45,082,735, G>A. VCF-style: chrX-45082735-G-A. GRCh37 (hg19) VCF-style: chrX-44941980-G-A.
Other names: c.3251G>A, p.Gly1084Glu (NM_001291416.2, NM_001419811.1); c.3095G>A, p.Gly1032Glu (NM_001291417.2); c.2993G>A, p.Gly998Glu (NM_001291418.2, NM_001419815.1); c.2342G>A, p.Gly781Glu (NM_001291421.2); c.3128G>A, p.Gly1043Glu (NM_001410742.1, NM_001419814.1); c.3386G>A, p.Gly1129Glu (NM_001419809.1); c.3284G>A, p.Gly1095Glu (NM_001419810.1, NM_001419813.1); c.3230G>A, p.Gly1077Glu (NM_001419812.1, NM_021140.4); short protein forms G1032E, G1043E, G1077E, G1084E, G1095E, G1129E, G781E, G998E.
Identifiers: ClinVar variation 2662395 (VCV002662395.1), dbSNP rs2045471718, ClinGen allele CA412803120.